The following is an entry in ClinVar:

NM_006767.4(LZTR1):c.1975C>G (p.Leu659Val)

Gene: LZTR1 (leucine zipper like post translational regulator 1; plus strand). Cytogenetic location: 22q11.21.
Variant type: single nucleotide variant.
Coding change: c.1975C>G on transcript NM_006767.4 (MANE Select); coding-DNA position 1975, C replaced by G.
Protein change: p.Leu659Val; replaces leucine 659 with valine.
Molecular consequence: missense variant.
Genome position (GRCh38, 1-based): chr22:20,995,778, C>G. VCF-style: chr22-20995778-C-G. GRCh37 (hg19) VCF-style: chr22-21350067-C-G.
Other names: short protein forms L659V.
Identifiers: ClinVar variation 1783694 (VCV001783694.3), dbSNP rs2518623816, ClinGen allele CA410778992.

ClinVar aggregate classification (germline): Uncertain significance. Review status: criteria provided, multiple submitters, no conflicts (2 of 4 stars). 2 submissions from 2 submitters: Uncertain significance (2). Last evaluated 2025-03-17.

Conditions:
Hereditary cancer-predisposing syndrome. Also called: Neoplastic Syndromes, Hereditary; Tumor predisposition; Hereditary Cancer Syndrome; Hereditary neoplastic syndrome. Identifiers: Orphanet 140162, MedGen C0027672, MeSH D009386, MONDO:0015356.
Cardiovascular phenotype. Identifiers: MedGen CN230736.

Allele frequency attached by ClinVar (database versions not stated): gnomAD exomes below 0.00001.
gnomAD v4.1: 1 of 1,613,654 alleles (0.000062%); highest among the groups gnomAD compares: Non-Finnish European, 0.000085%; no homozygotes.

Submissions (2):

Labcorp Genetics (formerly Invitae), Labcorp
Classification: Uncertain significance. Last evaluated: 2025-03-17. Review status: criteria provided, single submitter. Criteria: Invitae Variant Classification Sherloc (09022015). Collection method: clinical testing. Allele origin: germline.
Comment: This sequence change replaces leucine, which is neutral and non-polar, with valine, which is neutral and non-polar, at codon 659 of the LZTR1 protein (p.Leu659Val). This variant is not present in population databases (gnomAD no frequency). This variant has not been reported in the literature in individuals affected with LZTR1-related conditions. ClinVar contains an entry for this variant (Variation ID: 1783694). Invitae Evidence Modeling of protein sequence and biophysical properties (such as structural, functional, and spatial information, amino acid conservation, physicochemical variation, residue mobility, and thermodynamic stability) indicates that this missense variant is not expected to disrupt LZTR1 protein function with a negative predictive value of 80%. In summary, the available evidence is currently insufficient to determine the role of this variant in disease. Therefore, it has been classified as a Variant of Uncertain Significance.

Ambry Genetics
Classification: Uncertain significance for Cardiovascular phenotype; Hereditary cancer-predisposing syndrome. Last evaluated: 2022-05-13. Review status: criteria provided, single submitter. Criteria: Ambry Variant Classification Scheme 2023. Collection method: clinical testing. Allele origin: germline.
Comment: The p.L659V variant (also known as c.1975C>G), located in coding exon 17 of the LZTR1 gene, results from a C to G substitution at nucleotide position 1975. The leucine at codon 659 is replaced by valine, an amino acid with highly similar properties. This amino acid position is conserved. In addition, this alteration is predicted to be tolerated by in silico analysis. Since supporting evidence is limited at this time, the clinical significance of this alteration remains unclear.